The following is an entry in ClinVar:

NC_000001.10:g.(?_33241582)_(33256875_?)del

Gene: YARS1 (tyrosyl-tRNA synthetase 1; minus strand). Cytogenetic location: 1p35.1.
Variant type: Deletion.
Identifiers: ClinVar variation 3247747 (VCV003247747.1).

ClinVar aggregate classification (germline): Uncertain significance (1 of 4 stars; one submission).

Conditions:
Charcot-Marie-Tooth disease dominant intermediate C (CMTDIC). Also called: CHARCOT-MARIE-TOOTH NEUROPATHY, DOMINANT INTERMEDIATE C. Identifiers: Orphanet 100045, MedGen C1842237, MONDO:0012012, OMIM 608323.

Submission:

Labcorp Genetics (formerly Invitae), Labcorp
Classification: Uncertain significance for Charcot-Marie-Tooth disease dominant intermediate C. Last evaluated: 2023-09-10. Review status: criteria provided, single submitter. Criteria: Invitae Variant Classification Sherloc (09022015). Collection method: clinical testing. Allele origin: unknown.
Comment: In summary, the available evidence is currently insufficient to determine the role of this variant in disease. Therefore, it has been classified as a Variant of Uncertain Significance. Experimental studies and prediction algorithms are not available or were not evaluated, and the functional significance of this variant is currently unknown. This variant has not been reported in the literature in individuals affected with YARS-related conditions. This variant is a gross deletion of the genomic region encompassing exon(s) 6-13 of the YARS gene, which includes the termination codon. This deletion extends beyond the assayed region for this gene and therefore may encompass additional genes. While this deletion is not anticipated to lead to nonsense mediated decay, it is expected to alter mRNA translation or result in a truncated protein product.